The following is an entry in ClinVar:

ClinVar aggregate classification (germline): Uncertain significance (1 of 4 stars; one submission).

Conditions:
Epilepsy, familial focal, with variable foci 3 (FFEVF3). Identifiers: MedGen C4310708, MONDO:0014925, OMIM 617118.

Submission:

3billion
Classification: Uncertain significance for Epilepsy, familial focal, with variable foci 3. Last evaluated: 2025-09-23. Review status: criteria provided, single submitter. Criteria: ACMG Guidelines, 2015. Collection method: clinical testing. Allele origin: germline. Affected: yes.
Comment: The variant is not observed in the gnomAD v4.1.0 dataset. Predicted Consequence/Location: Missense variant. The majority of the known disease-causing variants of this gene are variants expected to result in premature termination of the protein. In silico tool prediction suggests damaging effect of the variant on gene or gene product [REVEL: 0.76 (>=0.6, sensitivity 0.68 and specificity 0.92)]. Different missense changes at the same codon have been reported as of uncertain significance (ClinVar ID: VCV003661085). Therefore, this variant is classified as VUS according to the recommendation of ACMG/AMP guideline.

NM_001077350.3(NPRL3):c.845T>G (p.Leu282Arg)

Genes: HBA-LCR (alpha-globin locus control region; plus strand), NPRL3 (NPR3 like, GATOR1 complex subunit; minus strand). Cytogenetic location: 16p13.3.
Variant type: single nucleotide variant.
Coding change: c.845T>G on transcript NM_001077350.3 (MANE Select); coding-DNA position 845, T replaced by G.
Protein change: p.Leu282Arg; replaces leucine 282 with arginine.
Molecular consequence: missense variant.
Genome position (GRCh38, 1-based): chr16:98,224, A>C on the plus strand (T>G on the coding strand, the complement: NPRL3 is on the minus strand). VCF-style: chr16-98224-A-C. GRCh37 (hg19) VCF-style: chr16-148222-A-C.
Other names: c.308T>G, p.Leu103Arg (NM_001039476.3); c.611T>G, p.Leu204Arg (NM_001243247.2); c.770T>G, p.Leu257Arg (NM_001243248.2, NM_001243249.2); short protein forms L103R, L204R, L257R, L282R.
Identifiers: ClinVar variation 4856076 (VCV004856076.1).